The following is an entry in ClinVar:

ClinVar aggregate classification (germline): Conflicting classifications of pathogenicity. Review status: criteria provided, conflicting classifications (1 of 4 stars). 6 submissions from 5 submitters: Uncertain significance (3); Likely benign (2). 1 of the submissions does not count toward it. Last evaluated 2026-01-14.

Conditions:
TULP1-related disorder. Also called: TULP1-related condition; TULP1-related disorders.
Leber congenital amaurosis 15 (LCA15). Identifiers: Orphanet 65, MedGen C3151206, MONDO:0013457, OMIM 613843.
Retinitis pigmentosa (RP). Identifiers: Orphanet 791, MedGen C0035334, MeSH D012174, MONDO:0019200, OMIM 268000. Inheritance: Autosomal dominant, autosomal recessive and X linked inheritance.

Allele frequency attached by ClinVar (database versions not stated): ExAC 0.00009; 1000 Genomes Project 0.00020; 1000 Genomes Project 30x 0.00031; ESP Exome Variant Server 0.00031; TOPMed 0.00034.
gnomAD v4.1: 93 of 1,613,516 alleles (0.0058%); highest among the groups gnomAD compares: African/African-American, 0.095%; no homozygotes.

Submissions (6):

Labcorp Genetics (formerly Invitae), Labcorp
Classification: Likely benign. Last evaluated: 2026-01-14. Review status: criteria provided, single submitter. Criteria: Invitae Variant Classification Sherloc (09022015). Collection method: clinical testing. Allele origin: germline.

Blueprint Genetics
Classification: Likely benign. Last evaluated: 2023-11-21. Review status: criteria provided, single submitter. Criteria: ACMG Guidelines, 2015. Collection method: clinical testing. Allele origin: germline.

Illumina Laboratory Services, Illumina
Classification: Uncertain significance for Retinitis pigmentosa. Last evaluated: 2018-01-12. Review status: criteria provided, single submitter. Criteria: ICSL Variant Classification Criteria 13 December 2019. Collection method: clinical testing. Allele origin: germline.

Illumina Laboratory Services, Illumina
Classification: Uncertain significance for Leber congenital amaurosis 15. Last evaluated: 2018-01-12. Review status: criteria provided, single submitter. Criteria: ICSL Variant Classification Criteria 13 December 2019. Collection method: clinical testing. Allele origin: germline.

Eurofins Ntd Llc (ga)
Classification: Uncertain significance. Last evaluated: 2016-05-25. Review status: criteria provided, single submitter. Criteria: EGL Classification Definitions 2015. Collection method: clinical testing. Allele origin: germline. Observed: 1 variant allele, 1 heterozygote.

PreventionGenetics, part of Exact Sciences
Classification: Likely benign for TULP1-related condition. Last evaluated: 2024-08-30. Review status: no assertion criteria provided. Collection method: clinical testing. Allele origin: germline. Not counted in ClinVar's aggregate classification.
Comment: This variant is classified as likely benign based on ACMG/AMP sequence variant interpretation guidelines (Richards et al. 2015 PMID: 25741868, with internal and published modifications).

NM_003322.6(TULP1):c.846G>A (p.Pro282=)

Gene: TULP1 (TUB like protein 1; minus strand). Cytogenetic location: 6p21.31.
Variant type: single nucleotide variant.
Coding change: c.846G>A on transcript NM_003322.6 (MANE Select); coding-DNA position 846, G replaced by A.
Protein change: p.Pro282=; no amino-acid change (proline 282 retained).
Molecular consequence: synonymous variant.
Genome position (GRCh38, 1-based): chr6:35,506,156, C>T on the plus strand (G>A on the coding strand, the complement: TULP1 is on the minus strand). VCF-style: chr6-35506156-C-T. GRCh37 (hg19) VCF-style: chr6-35473933-C-T.
Other names: c.846G>A (NM_003322.5); c.687G>A, p.Pro229= (NM_001289395.2).
Identifiers: ClinVar variation 287340 (VCV000287340.19), dbSNP rs149980694, ClinGen allele CA3772766.
Genomic context (GRCh38, chr6:35,506,156, plus strand): 5'-GCCCTGGGGGGCAGGCCGGAGCACAAACTCCCGGGGTTCGTCCACCTCCACGGGGGGAGA[C>T]GGGGCCCTCTCCTCCTTCTGGGTGGGGGCAGAGGGTACATCAGCCCCAGAGCACCAGCTC-3'
Protein context (NP_003313.3, residues 272-292): GKKKAKEERA[Pro282=]SPPVEVDEPR